The following is an entry in ClinVar:

ClinVar aggregate classification (germline): Likely benign. Review status: criteria provided, multiple submitters, no conflicts (2 of 4 stars). 4 submissions from 4 submitters: Likely benign (4). Last evaluated 2025-12-28.

Conditions:
ABCC6-related disorder. Also called: ABCC6-related condition.

gnomAD v4.1: 47 of 1,614,036 alleles (0.0029%); highest among the groups gnomAD compares: Non-Finnish European, 0.0031%; no homozygotes.

Submissions (4):

PreventionGenetics, part of Exact Sciences
Classification: Likely benign for ABCC6-related condition. Last evaluated: 2025-12-28. Review status: criteria provided, single submitter. Criteria: ACMG Guidelines, 2015. Collection method: clinical testing. Allele origin: germline.
Comment: This variant is classified as likely benign based on ACMG/AMP sequence variant interpretation guidelines (Richards et al. 2015 PMID: 25741868, with internal and published modifications).

Labcorp Genetics (formerly Invitae), Labcorp
Classification: Likely benign. Last evaluated: 2025-12-23. Review status: criteria provided, single submitter. Criteria: Invitae Variant Classification Sherloc (09022015). Collection method: clinical testing. Allele origin: germline.

CeGaT Center for Human Genetics Tuebingen
Classification: Likely benign. Last evaluated: 2024-03-01. Review status: criteria provided, single submitter. Criteria: CeGaT Center For Human Genetics Tuebingen Variant Classification Criteria Version 2. Collection method: clinical testing. Allele origin: germline. Affected: yes. Observed: 2 variant alleles.
Comment: ABCC6: BP4, BP7

Blueprint Genetics
Classification: Likely benign. Last evaluated: 2021-08-17. Review status: criteria provided, single submitter. Criteria: ACMG Guidelines, 2015. Collection method: clinical testing. Allele origin: germline.

NM_001171.6(ABCC6):c.1311C>T (p.Ile437=)

Gene: ABCC6 (ATP binding cassette subfamily C member 6; minus strand). Cytogenetic location: 16p13.11.
Variant type: single nucleotide variant.
Coding change: c.1311C>T on transcript NM_001171.6 (MANE Select); coding-DNA position 1311, C replaced by T.
Protein change: p.Ile437=; no amino-acid change (isoleucine 437 retained).
Molecular consequence: synonymous variant. On other transcripts: non-coding transcript variant (1).
Genome position (GRCh38, 1-based): chr16:16,198,048, G>A on the plus strand (C>T on the coding strand, the complement: ABCC6 is on the minus strand). VCF-style: chr16-16198048-G-A. GRCh37 (hg19) VCF-style: chr16-16291905-G-A.
Other names: c.1311C>T (NM_001171.5); c.969C>T, p.Ile323= (NM_001351800.1).
Identifiers: ClinVar variation 2190713 (VCV002190713.30), dbSNP rs150075392, ClinGen allele CA7926372.